The following is an entry in ClinVar:

ClinVar aggregate classification (germline): Conflicting classifications of pathogenicity. Review status: criteria provided, conflicting classifications (1 of 4 stars). 4 submissions from 4 submitters: Uncertain significance (2); Likely benign (1). 1 of the submissions does not count toward it. Last evaluated 2026-01-28.

Conditions:
Mitochondrial complex I deficiency. Also called: NADH:Q(1) OXIDOREDUCTASE DEFICIENCY. Identifiers: Orphanet 2609, MedGen C1838979, MeSH C537475, MONDO:0100133.
Mitochondrial complex I deficiency, nuclear type 1. Also called: NADH-COENZYME Q REDUCTASE DEFICIENCY; MITOCHONDRIAL NADH DEHYDROGENASE COMPONENT OF COMPLEX I, DEFICIENCY OF. Identifiers: MedGen C6022305, MONDO:0100224, OMIM 252010.

Allele frequency attached by ClinVar (database versions not stated): ExAC 0.00008; gnomAD 0.00011; TOPMed 0.00014.
gnomAD v4.1: 120 of 1,605,118 alleles (0.0075%); highest among the groups gnomAD compares: Admixed American, 0.013%; no homozygotes.

Submissions (4):

Labcorp Genetics (formerly Invitae), Labcorp
Classification: Likely benign. Last evaluated: 2026-01-28. Review status: criteria provided, single submitter. Criteria: Invitae Variant Classification Sherloc (09022015). Collection method: clinical testing. Allele origin: germline.

GeneDx
Classification: Uncertain significance. Last evaluated: 2021-10-26. Review status: criteria provided, single submitter. Criteria: GeneDx Variant Classification Process June 2021. Collection method: clinical testing. Allele origin: germline. Affected: yes.
Comment: In silico analysis supports that this missense variant does not alter protein structure/function; Has not been previously published as pathogenic or benign to our knowledge

Illumina Laboratory Services, Illumina
Classification: Uncertain significance for Mitochondrial complex I deficiency, nuclear type 1. Last evaluated: 2018-01-15. Review status: criteria provided, single submitter. Criteria: ICSL Variant Classification Criteria 13 December 2019. Collection method: clinical testing. Allele origin: germline.

Natera, Inc.
Classification: Uncertain significance for Mitochondrial complex I deficiency. Last evaluated: 2020-04-20. Review status: no assertion criteria provided. Collection method: clinical testing. Allele origin: germline. Not counted in ClinVar's aggregate classification.

NM_004553.6(NDUFS6):c.31C>G (p.Leu11Val)

Gene: NDUFS6 (NADH:ubiquinone oxidoreductase subunit S6; plus strand). Cytogenetic location: 5p15.33.
Variant type: single nucleotide variant.
Coding change: c.31C>G on transcript NM_004553.6 (MANE Select); coding-DNA position 31, C replaced by G.
Protein change: p.Leu11Val; replaces leucine 11 with valine.
Molecular consequence: missense variant.
Genome position (GRCh38, 1-based): chr5:1,801,448, C>G. VCF-style: chr5-1801448-C-G. GRCh37 (hg19) VCF-style: chr5-1801562-C-G.
Other names: short protein forms L11V.
Identifiers: ClinVar variation 726873 (VCV000726873.16), dbSNP rs755222875, ClinGen allele CA3187518.
Genomic context (GRCh38, chr5:1,801,448, plus strand): 5'-TTGCGCCGGGTCAAAGGCCAGCGGCGCAAAATGGCGGCGGCGATGACCTTCTGCCGGCTG[C>G]TGAACCGGTGTGGCGAGGCGGCGCGGAGCCTGCCCCTGGGCGCCAGGTGTTTCGGGGTGC-3'
Protein context (NP_004544.1, residues 1-21): MAAAMTFCRL[Leu11Val]NRCGEAARSL